The following is an entry in ClinVar:

ClinVar aggregate classification (germline): Uncertain significance (1 of 4 stars; one submission).

Conditions:
LRP5-related exudative vitreoretinopathy. Identifiers: MedGen CN375903, MONDO:0700228.

Submission:

GeneDx
Classification: Uncertain significance. Last evaluated: 2023-05-23. Review status: criteria provided, single submitter. Criteria: GeneDx Variant Classification Process June 2021. Collection method: clinical testing. Allele origin: germline. Affected: yes.
Comment: Not observed at significant frequency in large population cohorts (gnomAD); In silico analysis supports that this missense variant has a deleterious effect on protein structure/function; Has not been previously published as pathogenic or benign to our knowledge

NM_002335.4(LRP5):c.1256A>G (p.Asp419Gly)

Gene: LRP5 (LDL receptor related protein 5; plus strand). Cytogenetic location: 11q13.2.
Variant type: single nucleotide variant.
Coding change: c.1256A>G on transcript NM_002335.4 (MANE Select); coding-DNA position 1256, A replaced by G.
Protein change: p.Asp419Gly; replaces aspartic acid 419 with glycine.
Molecular consequence: missense variant. On other transcripts: 5 prime UTR variant (1).
Genome position (GRCh38, 1-based): chr11:68,386,556, A>G. VCF-style: chr11-68386556-A-G. GRCh37 (hg19) VCF-style: chr11-68154024-A-G.
Other names: c.-510A>G (NM_001291902.2); short protein forms D419G.
Identifiers: ClinVar variation 2503257 (VCV002503257.3), dbSNP rs2496599301, ClinGen allele CA381612563.